The following is an entry in ClinVar:

ClinVar aggregate classification (germline): Uncertain significance. Review status: criteria provided, multiple submitters, no conflicts (2 of 4 stars). 2 submissions from 2 submitters: Uncertain significance (2). Last evaluated 2026-03-17.

Conditions:
Hereditary cancer-predisposing syndrome. Also called: Hereditary neoplastic syndrome; Neoplastic Syndromes, Hereditary; Tumor predisposition; Hereditary Cancer Syndrome. Identifiers: Orphanet 140162, MedGen C0027672, MeSH D009386, MONDO:0015356.

Allele frequency attached by ClinVar (database versions not stated): TOPMed below 0.00001.
gnomAD v4.1: 1 of 1,612,270 alleles (0.000062%); highest among the groups gnomAD compares: African/African-American, 0.0013%; no homozygotes.

Submissions (2):

Ambry Genetics
Classification: Uncertain significance for Hereditary cancer-predisposing syndrome. Last evaluated: 2026-03-17. Review status: criteria provided, single submitter. Criteria: Ambry Variant Classification Scheme 2023. Collection method: clinical testing. Allele origin: germline.
Comment: The p.N751I variant (also known as c.2252A>T), located in coding exon 20 of the POLE gene, results from an A to T substitution at nucleotide position 2252. The asparagine at codon 751 is replaced by isoleucine, an amino acid with dissimilar properties. This amino acid position is conserved. In addition, the in silico prediction for this alteration is inconclusive. Based on the available evidence, the clinical significance of this variant remains unclear.

Labcorp Genetics (formerly Invitae), Labcorp
Classification: Uncertain significance. Last evaluated: 2020-01-13. Review status: criteria provided, single submitter. Criteria: Invitae Variant Classification Sherloc (09022015). Collection method: clinical testing. Allele origin: germline.
Comment: In summary, the available evidence is currently insufficient to determine the role of this variant in disease. Therefore, it has been classified as a Variant of Uncertain Significance. Algorithms developed to predict the effect of missense changes on protein structure and function (SIFT, PolyPhen-2, Align-GVGD) all suggest that this variant is likely to be disruptive, but these predictions have not been confirmed by published functional studies and their clinical significance is uncertain. This variant has not been reported in the literature in individuals with POLE-related conditions. This variant is not present in population databases (ExAC no frequency). This sequence change replaces asparagine with isoleucine at codon 751 of the POLE protein (p.Asn751Ile). The asparagine residue is highly conserved and there is a large physicochemical difference between asparagine and isoleucine.

NM_006231.4(POLE):c.2252A>T (p.Asn751Ile)

Gene: POLE (DNA polymerase epsilon, catalytic subunit; minus strand). Cytogenetic location: 12q24.33.
Variant type: single nucleotide variant.
Coding change: c.2252A>T on transcript NM_006231.4 (MANE Select); coding-DNA position 2252, A replaced by T.
Protein change: p.Asn751Ile; replaces asparagine 751 with isoleucine.
Molecular consequence: missense variant.
Genome position (GRCh38, 1-based): chr12:132,667,570, T>A on the plus strand (A>T on the coding strand, the complement: POLE is on the minus strand). VCF-style: chr12-132667570-T-A. GRCh37 (hg19) VCF-style: chr12-133244156-T-A.
Other names: c.2252A>T (NM_006231.2); short protein forms N751I.
Identifiers: ClinVar variation 1010705 (VCV001010705.9), dbSNP rs763810721, ClinGen allele CA387352209.